The following is an entry in ClinVar:

NM_001170629.2(CHD8):c.1474G>A (p.Val492Ile)

Gene: CHD8 (chromodomain helicase DNA binding protein 8; minus strand). Cytogenetic location: 14q11.2.
Variant type: single nucleotide variant.
Coding change: c.1474G>A on transcript NM_001170629.2 (MANE Select); coding-DNA position 1474, G replaced by A.
Protein change: p.Val492Ile; replaces valine 492 with isoleucine.
Molecular consequence: missense variant.
Genome position (GRCh38, 1-based): chr14:21,427,996, C>T on the plus strand (G>A on the coding strand, the complement: CHD8 is on the minus strand). VCF-style: chr14-21427996-C-T. GRCh37 (hg19) VCF-style: chr14-21896155-C-T.
Other names: c.637G>A, p.Val213Ile (NM_020920.4); short protein forms V213I, V492I.
Identifiers: ClinVar variation 3897213 (VCV003897213.1).
Genomic context (GRCh38, chr14:21,427,996, plus strand): 5'-TCAGCCTCTCCCCAGCACTCTTCTTCCTGCGTTTCTTCTCGCCTTCCTCCTCTGGCCGAA[C>T]GCTGGGCAACTCGTCCTCATTTAAGACTCGAGGTATGTTCTGCTCACCGCGGGCACGGGC-3'
Protein context (NP_001164100.1, residues 482-502): RVLNEDELPS[Val492Ile]RPEEEGEKKR

ClinVar aggregate classification (germline): Uncertain significance (1 of 4 stars; one submission).

gnomAD v4.1: 1 of 1,614,078 alleles (0.000062%); highest among the groups gnomAD compares: South Asian, 0.0011%; no homozygotes.

Submission:

GeneDx
Classification: Uncertain significance. Last evaluated: 2024-11-05. Review status: criteria provided, single submitter. Criteria: GeneDx Variant Classification Process June 2021. Collection method: clinical testing. Allele origin: germline. Affected: yes.
Comment: Not observed at significant frequency in large population cohorts (gnomAD); In silico analysis supports that this missense variant does not alter protein structure/function; Has not been previously published as pathogenic or benign to our knowledge